The following is an entry in ClinVar:

ClinVar aggregate classification (germline): Uncertain significance (1 of 4 stars; one submission).

Conditions:
Aicardi-Goutieres syndrome 5. Identifiers: Orphanet 51, MedGen C2749659, MONDO:0013059, OMIM 612952.

Submission:

Labcorp Genetics (formerly Invitae), Labcorp
Classification: Uncertain significance for Aicardi-Goutieres syndrome 5. Last evaluated: 2024-10-17. Review status: criteria provided, single submitter. Criteria: Invitae Variant Classification Sherloc (09022015). Collection method: clinical testing. Allele origin: germline.
Comment: This sequence change replaces alanine, which is neutral and non-polar, with serine, which is neutral and polar, at codon 30 of the SAMHD1 protein (p.Ala30Ser). This variant is not present in population databases (gnomAD no frequency). This variant has not been reported in the literature in individuals affected with SAMHD1-related conditions. ClinVar contains an entry for this variant (Variation ID: 2063381). Invitae Evidence Modeling of protein sequence and biophysical properties (such as structural, functional, and spatial information, amino acid conservation, physicochemical variation, residue mobility, and thermodynamic stability) indicates that this missense variant is not expected to disrupt SAMHD1 protein function with a negative predictive value of 95%. In summary, the available evidence is currently insufficient to determine the role of this variant in disease. Therefore, it has been classified as a Variant of Uncertain Significance.

NM_015474.4(SAMHD1):c.88G>T (p.Ala30Ser)

Gene: SAMHD1 (SAM and HD domain containing deoxynucleoside triphosphate triphosphohydrolase 1; minus strand). Cytogenetic location: 20q11.23.
Variant type: single nucleotide variant.
Coding change: c.88G>T on transcript NM_015474.4 (MANE Select); coding-DNA position 88, G replaced by T.
Protein change: p.Ala30Ser; replaces alanine 30 with serine.
Molecular consequence: missense variant.
Genome position (GRCh38, 1-based): chr20:36,951,556, C>A on the plus strand (G>T on the coding strand, the complement: SAMHD1 is on the minus strand). VCF-style: chr20-36951556-C-A. GRCh37 (hg19) VCF-style: chr20-35579959-C-A.
Other names: c.88G>T, p.Ala30Ser (NM_001363729.2, NM_001363733.2); short protein forms A30S.
Identifiers: ClinVar variation 2063381 (VCV002063381.4), dbSNP rs1470044227, ClinGen allele CA408832413.